The following is an entry in ClinVar:

ClinVar aggregate classification (germline): Likely benign (1 of 4 stars; one submission).

Conditions:
SHANK2-related disorder.

Submission:

PreventionGenetics, part of Exact Sciences
Classification: Likely benign for SHANK2-related condition. Last evaluated: 2022-12-05. Review status: criteria provided, single submitter. Criteria: ACMG Guidelines, 2015. Collection method: clinical testing. Allele origin: germline.
Comment: This variant is classified as likely benign based on ACMG/AMP sequence variant interpretation guidelines (Richards et al. 2015 PMID: 25741868, with internal and published modifications).

NM_012309.5(SHANK2):c.2143A>C (p.Lys715Gln)

Gene: SHANK2 (SH3 and multiple ankyrin repeat domains 2; minus strand). Cytogenetic location: 11q13.4.
Variant type: single nucleotide variant.
Coding change: c.2143A>C on transcript NM_012309.5 (MANE Select); coding-DNA position 2143, A replaced by C.
Protein change: p.Lys715Gln; replaces lysine 715 with glutamine.
Molecular consequence: missense variant. On other transcripts: non-coding transcript variant (1).
Genome position (GRCh38, 1-based): chr11:70,502,850, T>G on the plus strand (A>C on the coding strand, the complement: SHANK2 is on the minus strand). VCF-style: chr11-70502850-T-G. GRCh37 (hg19) VCF-style: chr11-70348955-T-G.
Other names: c.1006A>C, p.Lys336Gln (NM_001379226.1); c.379A>C, p.Lys127Gln (NM_133266.5); short protein forms K127Q, K336Q, K715Q.
Identifiers: ClinVar variation 3050118 (VCV003050118.1), dbSNP rs2495770404, ClinGen allele CA381692710.
Genomic context (GRCh38, chr11:70,502,850, plus strand): 5'-ATGTACCTTTCTTCCTGGCGGTGTCGTCGGGGTCCAGATTCCTGGTCACCGTGACCACCT[T>G]AAGGACCAGGTGATTCCCTCCCTGCCGGATCATGTTCACCACCTGCCTGTGGCCGACTTT-3'
Protein context (NP_036441.2, residues 705-725): IRQGGNHLVL[Lys715Gln]VVTVTRNLDP